The following is an entry in ClinVar:

NM_000601.6(HGF):c.682T>G (p.Ser228Ala)

Gene: HGF (hepatocyte growth factor; minus strand). Cytogenetic location: 7q21.11.
Variant type: single nucleotide variant.
Coding change: c.682T>G on transcript NM_000601.6 (MANE Select); coding-DNA position 682, T replaced by G.
Protein change: p.Ser228Ala; replaces serine 228 with alanine.
Molecular consequence: missense variant.
Genome position (GRCh38, 1-based): chr7:81,745,064, A>C on the plus strand (T>G on the coding strand, the complement: HGF is on the minus strand). VCF-style: chr7-81745064-A-C. GRCh37 (hg19) VCF-style: chr7-81374380-A-C.
Other names: c.682T>G, p.Ser228Ala (NM_001010931.3); c.667T>G, p.Ser223Ala (NM_001010932.3, NM_001010933.3); c.682T>G (NM_000601.5); short protein forms S228A, S223A.
Identifiers: ClinVar variation 163662 (VCV000163662.12), dbSNP rs139457161, ClinGen allele CA176280.

ClinVar aggregate classification (germline): Uncertain significance. Review status: criteria provided, multiple submitters, no conflicts (2 of 4 stars). 5 submissions from 5 submitters: Uncertain significance (5). Last evaluated 2025-02-17.

Conditions:
HGF-related disorder. Also called: HGF-related condition.

Allele frequency attached by ClinVar (database versions not stated): ESP Exome Variant Server 0.00008; ExAC 0.00012; TOPMed 0.00012; gnomAD exomes 0.00014 and 0.00018; 1000 Genomes Project 30x 0.00016; gnomAD 0.00017; 1000 Genomes Project 0.00020.

Submissions (5):

PreventionGenetics, part of Exact Sciences
Classification: Uncertain significance for HGF-related condition. Last evaluated: 2025-02-17. Review status: criteria provided, single submitter. Criteria: ACMG Guidelines, 2015. Collection method: clinical testing. Allele origin: germline.
Comment: The HGF c.682T>G variant is predicted to result in the amino acid substitution p.Ser228Ala. This variant was reported in an individual with Congenital heart defect, however additional information was not provided (Table 2, Russell et al. 2019. PubMed ID: 31453292). This variant is reported in 0.036% of alleles in individuals of European (Finnish) descent in gnomAD. At this time, the clinical significance of this variant is uncertain due to the absence of conclusive functional and genetic evidence.

GeneDx
Classification: Uncertain significance. Last evaluated: 2024-11-11. Review status: criteria provided, single submitter. Criteria: GeneDx Variant Classification Process June 2021. Collection method: clinical testing. Allele origin: germline. Affected: yes.
Comment: Identified in a patient with critical congenital heart disease, who also harbored several other variants in additional genes in published literature (PMID: 31453292); Identified in two patients with primary lymphoedema and classified as a variant of uncertain significance in published literature (PMID: 38676400); In silico analysis supports that this missense variant has a deleterious effect on protein structure/function; This variant is associated with the following publications: (PMID: 31453292, 38676400)

Blueprint Genetics
Classification: Uncertain significance. Last evaluated: 2024-10-11. Review status: criteria provided, single submitter. Criteria: ACMG Guidelines, 2015. Collection method: clinical testing. Allele origin: germline.

Labcorp Genetics (formerly Invitae), Labcorp
Classification: Uncertain significance. Last evaluated: 2023-08-30. Review status: criteria provided, single submitter. Criteria: Invitae Variant Classification Sherloc (09022015). Collection method: clinical testing. Allele origin: germline.
Comment: This variant has not been reported in the literature in individuals affected with HGF-related conditions. This variant is present in population databases (rs139457161, gnomAD 0.03%). This sequence change replaces serine, which is neutral and polar, with alanine, which is neutral and non-polar, at codon 228 of the HGF protein (p.Ser228Ala). ClinVar contains an entry for this variant (Variation ID: 163662). In summary, the available evidence is currently insufficient to determine the role of this variant in disease. Therefore, it has been classified as a Variant of Uncertain Significance. An algorithm developed to predict the effect of missense changes on protein structure and function (PolyPhen-2) suggests that this variant is likely to be tolerated.

Laboratory for Molecular Medicine, Mass General Brigham Personalized Medicine
Classification: Uncertain significance. Last evaluated: 2013-05-17. Review status: criteria provided, single submitter. Criteria: LMM Criteria. Collection method: clinical testing. Allele origin: germline. Observed: 1 variant allele.
Comment: Variant classified as Uncertain Significance - Favor Benign. The Ser228Ala varia nt in HGF has not been reported in the literature nor previously identified by o ur laboratory. Computational analyses (biochemical amino acid properties, conser vation, AlignGVGD, PolyPhen2, and SIFT) suggest that the Ser228Ala variant may n ot impact the protein, though this information is not predictive enough to rule out pathogenicity. This variant has been identified in 0.01% (1/8600) of Europea n American chromosomes in a broad population by the NHLBI Exome sequencing proje ct (dbSNP rs139457161). Although this variant has been seen in the general population, its frequency is not high enough to ru le out a pathogenic role. In summary, the clinical significance of this variant cannot be determined with certainty; however based upon computational analyses a nd presence in the general population in the absence of any data to support path ogenicity, we would lean towards a more likely benign role.